The following is an entry in ClinVar:

NM_000540.3(RYR1):c.1358C>T (p.Pro453Leu)

Gene: RYR1 (ryanodine receptor 1; plus strand). Cytogenetic location: 19q13.2.
Variant type: single nucleotide variant.
Coding change: c.1358C>T on transcript NM_000540.3 (MANE Select); coding-DNA position 1358, C replaced by T.
Protein change: p.Pro453Leu; replaces proline 453 with leucine.
Molecular consequence: missense variant.
Genome position (GRCh38, 1-based): chr19:38,452,932, C>T. VCF-style: chr19-38452932-C-T. GRCh37 (hg19) VCF-style: chr19-38943572-C-T.
Other names: c.1358C>T, p.Pro453Leu (NM_001042723.2); short protein forms P453L.
Identifiers: ClinVar variation 3072878 (VCV003072878.3), dbSNP rs1313967520, ClinGen allele CA405686103.

ClinVar aggregate classification (germline): Uncertain significance. Review status: criteria provided, multiple submitters, no conflicts (2 of 4 stars). 2 submissions from 2 submitters: Uncertain significance (2). Last evaluated 2024-04-25.

Conditions:
RYR1-related disorder. Also called: RYR1-related condition; RYR1-related disorders. Identifiers: MedGen CN239331.
Malignant hyperthermia, susceptibility to, 1 (MHS1). Also called: Anesthesia related hyperthermia; Malignant hyperpyrexia; Fulminating hyperpyrexia; Pharmacogenic myopathy; RYR1-Related Malignant Hyperthermia Susceptibility; Malignant hyperthermia suceptibility 1. Identifiers: Orphanet 423, MedGen C2930980, MONDO:0007783, OMIM 145600.

Allele frequency attached by ClinVar (database versions not stated): gnomAD exomes below 0.00001; TOPMed below 0.00001; gnomAD 0.00001.
gnomAD v4.1: 3 of 1,613,878 alleles (0.00019%); highest among the groups gnomAD compares: Non-Finnish European, 0.00025%; no homozygotes.

Submissions (2):

Labcorp Genetics (formerly Invitae), Labcorp
Classification: Uncertain significance for RYR1-related disorder. Last evaluated: 2024-04-25. Review status: criteria provided, single submitter. Criteria: Invitae Variant Classification Sherloc (09022015). Collection method: clinical testing. Allele origin: germline.
Comment: This sequence change replaces proline, which is neutral and non-polar, with leucine, which is neutral and non-polar, at codon 453 of the RYR1 protein (p.Pro453Leu). This variant is not present in population databases (gnomAD no frequency). This variant has not been reported in the literature in individuals affected with RYR1-related conditions. Advanced modeling of protein sequence and biophysical properties (such as structural, functional, and spatial information, amino acid conservation, physicochemical variation, residue mobility, and thermodynamic stability) performed at Invitae indicates that this missense variant is not expected to disrupt RYR1 protein function with a negative predictive value of 95%. In summary, the available evidence is currently insufficient to determine the role of this variant in disease. Therefore, it has been classified as a Variant of Uncertain Significance.

All of Us Research Program, National Institutes of Health
Classification: Uncertain significance for Malignant hyperthermia, susceptibility to, 1. Last evaluated: 2023-08-15. Review status: criteria provided, single submitter. Criteria: ACMG Guidelines, 2015. Collection method: clinical testing. Allele origin: germline. Inheritance: Autosomal dominant inheritance. Observed: 1 variant allele, 1 heterozygote.
Comment: This missense variant replaces proline with leucine at codon 453 of the RYR1 protein. Computational prediction is inconclusive regarding the impact of this variant on protein structure and function (internally defined REVEL score threshold 0.5 < inconclusive < 0.7, PMID: 27666373). To our knowledge, functional studies have not been reported for this variant. This variant has not been reported in individuals affected with RYR1-related disorders in the literature. This variant has not been identified in the general population by the Genome Aggregation Database (gnomAD). The available evidence is insufficient to determine the role of this variant in disease conclusively. Therefore, this variant is classified as a Variant of Uncertain Significance.

This study involves interpretation of variants in research participants for the purpose of population health screening. Participant phenotype was not available at the time of variant classification. Additional details can be found in publication PMID: 35346344, PMCID: PMC8962531